The following is an entry in ClinVar:

ClinVar aggregate classification (germline): Uncertain significance (1 of 4 stars; one submission).

Conditions:
Primary dilated cardiomyopathy (DCM). Also called: Dilated Cardiomyopathy. Identifiers: Orphanet 217604, MedGen C0007193, MeSH D002311, MONDO:0005021, HP:0001644. Inheritance: Various modes of inheritance.

Submission:

Labcorp Genetics (formerly Invitae), Labcorp
Classification: Uncertain significance for Primary dilated cardiomyopathy. Last evaluated: 2023-04-10. Review status: criteria provided, single submitter. Criteria: Invitae Variant Classification Sherloc (09022015). Collection method: clinical testing. Allele origin: germline.
Comment: This sequence change creates a premature translational stop signal (p.His754Glnfs*2) in the NEBL gene. It is expected to result in an absent or disrupted protein product. However, the current clinical and genetic evidence is not sufficient to establish whether loss-of-function variants in NEBL cause disease. This variant is not present in population databases (gnomAD no frequency). This variant has not been reported in the literature in individuals affected with NEBL-related conditions. In summary, the available evidence is currently insufficient to determine the role of this variant in disease. Therefore, it has been classified as a Variant of Uncertain Significance.

NM_006393.3(NEBL):c.2262_2275del (p.His754fs)

Gene: NEBL (nebulette; minus strand). Cytogenetic location: 10p12.31.
Variant type: Deletion.
Coding change: c.2262_2275del on transcript NM_006393.3 (MANE Select); coding-DNA positions 2262 to 2275, 14 bases deleted (TAAACAGATGAAAG).
Protein change: p.His754fs; shifts the reading frame from histidine 754.
Molecular consequence: frameshift variant. On other transcripts: intron variant (9).
Genome position (GRCh38, 1-based): chr10:20,814,010-20,814,023, CTTTCATCTGTTTA deleted on the plus strand (TAAACAGATGAAAG on the coding strand, the reverse complement: NEBL is on the minus strand). VCF-style (leftmost placement, unchanged base first): chr10-20814009-CCTTTCATCTGTTTA-C. GRCh37 (hg19) VCF-style: chr10-21102938-CCTTTCATCTGTTTA-C.
Other names: c.250-1083_250-1070del (NM_001377326.1, NM_001377327.1, NM_001377328.1); c.358-1083_358-1070del (NM_213569.2, NM_001173484.2, NM_001377322.1); c.301-1083_301-1070del (NM_001377324.1); c.292-1083_292-1070del (NM_001377325.1); c.310-1083_310-1070del (NM_001377323.1); short protein forms H754fs.
Identifiers: ClinVar variation 2854878 (VCV002854878.3), dbSNP rs2491612202, ClinGen allele CA2739265319.